The following is an entry in ClinVar:

NM_057175.5(NAA15):c.192A>C (p.Glu64Asp)

Gene: NAA15 (N-alpha-acetyltransferase 15, NatA auxiliary subunit; plus strand). Cytogenetic location: 4q31.1.
Variant type: single nucleotide variant.
Coding change: c.192A>C on transcript NM_057175.5 (MANE Select); coding-DNA position 192, A replaced by C.
Protein change: p.Glu64Asp; replaces glutamic acid 64 with aspartic acid.
Molecular consequence: missense variant.
Genome position (GRCh38, 1-based): chr4:139,336,900, A>C. VCF-style: chr4-139336900-A-C. GRCh37 (hg19) VCF-style: chr4-140258054-A-C.
Other names: c.192A>C, p.Glu64Asp (NM_001410842.1); short protein forms E64D.
Identifiers: ClinVar variation 3664344 (VCV003664344.2).

ClinVar aggregate classification (germline): Uncertain significance (1 of 4 stars; one submission).

Submission:

Labcorp Genetics (formerly Invitae), Labcorp
Classification: Uncertain significance. Last evaluated: 2024-09-03. Review status: criteria provided, single submitter. Criteria: Invitae Variant Classification Sherloc (09022015). Collection method: clinical testing. Allele origin: germline.
Comment: This sequence change replaces glutamic acid, which is acidic and polar, with aspartic acid, which is acidic and polar, at codon 64 of the NAA15 protein (p.Glu64Asp). This variant is not present in population databases (gnomAD no frequency). This variant has not been reported in the literature in individuals affected with NAA15-related conditions. An algorithm developed to predict the effect of missense changes on protein structure and function (PolyPhen-2) suggests that this variant is likely to be tolerated. In summary, the available evidence is currently insufficient to determine the role of this variant in disease. Therefore, it has been classified as a Variant of Uncertain Significance.